The following is an entry in ClinVar:

ClinVar aggregate classification (germline): Pathogenic (1 of 4 stars; one submission).

Conditions:
Bloom syndrome (BLM). Also called: Bloom-Torre-Machacek syndrome. Identifiers: Orphanet 125, MedGen C0005859, MONDO:0008876, OMIM 210900.

Submission:

Labcorp Genetics (formerly Invitae), Labcorp
Classification: Pathogenic for Bloom syndrome. Last evaluated: 2022-04-29. Review status: criteria provided, single submitter. Criteria: Invitae Variant Classification Sherloc (09022015). Collection method: clinical testing. Allele origin: germline.
Comment: This variant is not present in population databases (gnomAD no frequency). This sequence change creates a premature translational stop signal (p.Lys271Glufs*7) in the BLM gene. It is expected to result in an absent or disrupted protein product. Loss-of-function variants in BLM are known to be pathogenic (PMID: 17407155). For these reasons, this variant has been classified as Pathogenic. This variant has not been reported in the literature in individuals affected with BLM-related conditions.

Literature cited by the submitters: PubMed 17407155.

NM_000057.4(BLM):c.811_815del (p.Lys271fs)

Gene: BLM (BLM RecQ like helicase; plus strand). Cytogenetic location: 15q26.1.
Variant type: Deletion.
Coding change: c.811_815del on transcript NM_000057.4 (MANE Select); coding-DNA positions 811 to 815, 5 bases deleted (AAGAA; older notation c.811_815delAAGAA).
Protein change: p.Lys271fs; shifts the reading frame from lysine 271.
Molecular consequence: frameshift variant. On other transcripts: 5 prime UTR variant (1).
Genome position (GRCh38, 1-based): chr15:90,751,798-90,751,802, AAGAA deleted; deleting any 5 consecutive bases within chr15:90,751,795-90,751,802 gives the same sequence; the c. name uses the placement nearest the transcript's 3' end. VCF-style (leftmost placement, unchanged base first): chr15-90751794-CGAAAA-C. GRCh37 (hg19) VCF-style: chr15-91295024-CGAAAA-C.
Other names: c.811_815del, p.Lys271fs (NM_001287246.2, NM_001287247.2); c.-481_-477del (NM_001287248.2); short protein forms K271fs.
Identifiers: ClinVar variation 2131969 (VCV002131969.4), dbSNP rs2505399512, ClinGen allele CA2580090522.
Genomic context (GRCh38, chr15:90,751,794, plus strand): 5'-TTCTGTCTCATTAGTGGTTAACAAATCTATGTTTATCAACTGTTTTACTGTAGATAATAG[CGAAAA>C]GAAGAAGAATTTGGAAGAAGCTGAATTACATTCAACTGAGAAAGTTCCATGTATTGAATT-3'